The following is an entry in ClinVar:

ClinVar aggregate classification (germline): Uncertain significance (1 of 4 stars; one submission).

Allele frequency attached by ClinVar (database versions not stated): gnomAD 0.00001; TOPMed 0.00001.

Submission:

Labcorp Genetics (formerly Invitae), Labcorp
Classification: Uncertain significance. Last evaluated: 2023-11-27. Review status: criteria provided, single submitter. Criteria: Invitae Variant Classification Sherloc (09022015). Collection method: clinical testing. Allele origin: germline.
Comment: This sequence change replaces glycine, which is neutral and non-polar, with cysteine, which is neutral and slightly polar, at codon 531 of the SPEG protein (p.Gly531Cys). This variant is not present in population databases (gnomAD no frequency). This variant has not been reported in the literature in individuals affected with SPEG-related conditions. ClinVar contains an entry for this variant (Variation ID: 1967128). An algorithm developed to predict the effect of missense changes on protein structure and function (PolyPhen-2) suggests that this variant is likely to be disruptive. In summary, the available evidence is currently insufficient to determine the role of this variant in disease. Therefore, it has been classified as a Variant of Uncertain Significance.

NM_005876.5(SPEG):c.1591G>T (p.Gly531Cys)

Gene: SPEG (striated muscle enriched protein kinase; plus strand). Cytogenetic location: 2q35.
Variant type: single nucleotide variant.
Coding change: c.1591G>T on transcript NM_005876.5 (MANE Select); coding-DNA position 1591, G replaced by T.
Protein change: p.Gly531Cys; replaces glycine 531 with cysteine.
Molecular consequence: missense variant.
Genome position (GRCh38, 1-based): chr2:219,448,749, G>T. VCF-style: chr2-219448749-G-T. GRCh37 (hg19) VCF-style: chr2-220313471-G-T.
Other names: short protein forms G531C.
Identifiers: ClinVar variation 1967128 (VCV001967128.5), dbSNP rs1689511099, ClinGen allele CA350722015.